The following is an entry in ClinVar:

ClinVar aggregate classification (germline): Uncertain significance. Review status: criteria provided, multiple submitters, no conflicts (2 of 4 stars). 2 submissions from 2 submitters: Uncertain significance (2). Last evaluated 2025-07-24.

Conditions:
Inborn genetic diseases. Identifiers: MedGen C0950123, MeSH D030342.

Allele frequency attached by ClinVar (database versions not stated): gnomAD 0.00001; TOPMed 0.00001.
gnomAD v4.1: 1 of 1,612,654 alleles (0.000062%); highest among the groups gnomAD compares: Non-Finnish European, 0.000085%; no homozygotes.

Submissions (2):

Ambry Genetics
Classification: Uncertain significance for Inborn genetic diseases. Last evaluated: 2025-07-24. Review status: criteria provided, single submitter. Criteria: Ambry Variant Classification Scheme 2023. Collection method: clinical testing. Allele origin: germline.

Labcorp Genetics (formerly Invitae), Labcorp
Classification: Uncertain significance. Last evaluated: 2022-05-09. Review status: criteria provided, single submitter. Criteria: Invitae Variant Classification Sherloc (09022015). Collection method: clinical testing. Allele origin: germline.
Comment: This variant is present in population databases (no rsID available, gnomAD 0.007%). This variant has not been reported in the literature in individuals affected with NEFH-related conditions. Advanced modeling of protein sequence and biophysical properties (such as structural, functional, and spatial information, amino acid conservation, physicochemical variation, residue mobility, and thermodynamic stability) performed at Invitae indicates that this missense variant is not expected to disrupt NEFH protein function. In summary, the available evidence is currently insufficient to determine the role of this variant in disease. Therefore, it has been classified as a Variant of Uncertain Significance. This sequence change replaces threonine, which is neutral and polar, with alanine, which is neutral and non-polar, at codon 971 of the NEFH protein (p.Thr971Ala).

NM_021076.4(NEFH):c.2911A>G (p.Thr971Ala)

Gene: NEFH (neurofilament heavy chain; plus strand). Cytogenetic location: 22q12.2.
Variant type: single nucleotide variant.
Coding change: c.2911A>G on transcript NM_021076.4 (MANE Select); coding-DNA position 2911, A replaced by G.
Protein change: p.Thr971Ala; replaces threonine 971 with alanine.
Molecular consequence: missense variant.
Genome position (GRCh38, 1-based): chr22:29,490,551, A>G. VCF-style: chr22-29490551-A-G. GRCh37 (hg19) VCF-style: chr22-29886540-A-G.
Other names: c.2911A>G (NM_021076.3); short protein forms T971A.
Identifiers: ClinVar variation 2135744 (VCV002135744.5), dbSNP rs1297983440, ClinGen allele CA411139158.